The following is an entry in ClinVar:

NM_000303.3(PMM2):c.472G>A (p.Val158Ile)

Gene: PMM2 (phosphomannomutase 2; plus strand). Cytogenetic location: 16p13.2.
Variant type: single nucleotide variant.
Coding change: c.472G>A on transcript NM_000303.3 (MANE Select); coding-DNA position 472, G replaced by A.
Protein change: p.Val158Ile; replaces valine 158 with isoleucine.
Molecular consequence: missense variant.
Genome position (GRCh38, 1-based): chr16:8,811,662, G>A. VCF-style: chr16-8811662-G-A. GRCh37 (hg19) VCF-style: chr16-8905519-G-A.
Other names: short protein forms V158I.
Identifiers: ClinVar variation 1396006 (VCV001396006.6), dbSNP rs969802549, ClinGen allele CA277491367.

ClinVar aggregate classification (germline): Uncertain significance (1 of 4 stars; one submission).

Conditions:
PMM2-congenital disorder of glycosylation. Also called: PMM2-CDG; PHOSPHOMANNOMUTASE 2 DEFICIENCY; CARBOHYDRATE-DEFICIENT GLYCOPROTEIN SYNDROME, TYPE Ia; CDG Ia; Congenital disorder of glycosylation, type Ia; JAEKEN SYNDROME. Identifiers: Orphanet 79318, MedGen C0349653, MONDO:0008907, OMIM 212065.

Submission:

Labcorp Genetics (formerly Invitae), Labcorp
Classification: Uncertain significance for PMM2-congenital disorder of glycosylation. Last evaluated: 2021-12-01. Review status: criteria provided, single submitter. Criteria: Invitae Variant Classification Sherloc (09022015). Collection method: clinical testing. Allele origin: germline.
Comment: In summary, the available evidence is currently insufficient to determine the role of this variant in disease. Therefore, it has been classified as a Variant of Uncertain Significance. Algorithms developed to predict the effect of missense changes on protein structure and function are either unavailable or do not agree on the potential impact of this missense change (SIFT: "Tolerated"; PolyPhen-2: "Possibly Damaging"; Align-GVGD: "Class C0"). This variant has not been reported in the literature in individuals affected with PMM2-related conditions. This variant is not present in population databases (gnomAD no frequency). This sequence change replaces valine, which is neutral and non-polar, with isoleucine, which is neutral and non-polar, at codon 158 of the PMM2 protein (p.Val158Ile).